The following is an entry in ClinVar:

NM_000092.5(COL4A4):c.1531C>T (p.Gln511Ter)

Gene: COL4A4 (collagen type IV alpha 4 chain; minus strand). Cytogenetic location: 2q36.3.
Variant type: single nucleotide variant.
Coding change: c.1531C>T on transcript NM_000092.5 (MANE Select); coding-DNA position 1531, C replaced by T.
Protein change: p.Gln511Ter; replaces glutamine 511 with a stop codon.
Molecular consequence: nonsense.
Genome position (GRCh38, 1-based): chr2:227,088,745, G>A on the plus strand (C>T on the coding strand, the complement: COL4A4 is on the minus strand). VCF-style: chr2-227088745-G-A. GRCh37 (hg19) VCF-style: chr2-227953461-G-A.
Other names: short protein forms Q511*.
Identifiers: ClinVar variation 1322133 (VCV001322133.8), dbSNP rs2150595867, ClinGen allele CA350849942.

ClinVar aggregate classification (germline): Pathogenic/Likely pathogenic. Review status: criteria provided, multiple submitters, no conflicts (2 of 4 stars). 2 submissions from 2 submitters: Pathogenic (1); Likely pathogenic (1). Last evaluated 2025-03-09.

Conditions:
Autosomal recessive Alport syndrome (ATS2). Also called: COL4A4 Alport Syndrome and Thin Basement Membrane Nephropathy; Alport syndrome type 2; COL4A3-Related Nephropathy; ALPORT SYNDROME 2, AUTOSOMAL RECESSIVE. Identifiers: Orphanet 63, Orphanet 88919, MedGen C4746745, MONDO:0008762, OMIM 203780.
Benign familial hematuria. Also called: thin basement membrane disease. Identifiers: MedGen C0241908, MONDO:0957317.

Submissions (2):

Labcorp Genetics (formerly Invitae), Labcorp
Classification: Pathogenic. Last evaluated: 2025-03-09. Review status: criteria provided, single submitter. Criteria: Invitae Variant Classification Sherloc (09022015). Collection method: clinical testing. Allele origin: germline.
Comment: This sequence change creates a premature translational stop signal (p.Gln511*) in the COL4A4 gene. It is expected to result in an absent or disrupted protein product. Loss-of-function variants in COL4A4 are known to be pathogenic (PMID: 21196518, 24854265, 25307543). This variant is not present in population databases (gnomAD no frequency). This variant has not been reported in the literature in individuals affected with COL4A4-related conditions. ClinVar contains an entry for this variant (Variation ID: 1322133). For these reasons, this variant has been classified as Pathogenic.

Fulgent Genetics
Classification: Likely pathogenic for Hematuria, benign familial, 1; Autosomal recessive Alport syndrome. Last evaluated: 2021-08-22. Review status: criteria provided, single submitter. Criteria: ACMG Guidelines, 2015. Collection method: clinical testing. Allele origin: unknown.

Literature cited by the submitters: PubMed 21196518 (cited by Labcorp Genetics (formerly Invitae), Labcorp); PubMed 24854265 (cited by Labcorp Genetics (formerly Invitae), Labcorp); PubMed 25307543 (cited by Labcorp Genetics (formerly Invitae), Labcorp).